The following is an entry in ClinVar:

NM_001282225.2(ADA2):c.444T>C (p.Phe148=)

Gene: ADA2 (adenosine deaminase 2; minus strand). Cytogenetic location: 22q11.1.
Variant type: single nucleotide variant.
Coding change: c.444T>C on transcript NM_001282225.2 (MANE Select); coding-DNA position 444, T replaced by C.
Protein change: p.Phe148=; no amino-acid change (phenylalanine 148 retained).
Molecular consequence: synonymous variant.
Genome position (GRCh38, 1-based): chr22:17,207,169, A>G on the plus strand (T>C on the coding strand, the complement: ADA2 is on the minus strand). VCF-style: chr22-17207169-A-G. GRCh37 (hg19) VCF-style: chr22-17688059-A-G.
Other names: c.444T>C, p.Phe148= (NM_001282226.2); c.318T>C, p.Phe106= (NM_001282227.2, NM_001282228.2); c.84T>C, p.Phe28= (NM_001282229.2).
Identifiers: ClinVar variation 3772239 (VCV003772239.13).
Genomic context (GRCh38, chr22:17,207,169, plus strand): 5'-ATAATCCTCCAGCAGAATCCACTTGGAACATTTTTCTGATGGACGGGGAGTTGGGTGAGC[A>G]AATCTGAACTGCATGATCCCCCTTGGGGTGAAACAGATGTGGCAGTGAGGCCTGTAGGTG-3'
Protein context (NP_001269154.1, residues 138-158): FTPRGIMQFR[Phe148=]AHPTPRPSEK

ClinVar aggregate classification (germline): Likely benign (1 of 4 stars; one submission).

gnomAD v4.1: 8 of 1,614,108 alleles (0.0005%); highest among the groups gnomAD compares: African/African-American, 0.0013%; no homozygotes.

Submission:

CeGaT Center for Human Genetics Tuebingen
Classification: Likely benign. Last evaluated: 2025-01-01. Review status: criteria provided, single submitter. Criteria: CeGaT Center For Human Genetics Tuebingen Variant Classification Criteria Version 2. Collection method: clinical testing. Allele origin: germline. Affected: yes. Observed: 1 variant allele.
Comment: ADA2: BP4, BP7